The following is an entry in ClinVar:

ClinVar aggregate classification (germline): Uncertain significance (1 of 4 stars; one submission).

Conditions:
Microcephaly, normal intelligence and immunodeficiency (NBS). Also called: BERLIN BREAKAGE SYNDROME; Immunodeficiency, microcephaly with normal intelligence; SEEMANOVA SYNDROME II; Ataxia telangiectasia variant V1; Nijmegen breakage syndrome; IMMUNODEFICIENCY, MICROCEPHALY, AND CHROMOSOMAL INSTABILITY. Identifiers: Orphanet 647, MedGen C0398791, MONDO:0009623, OMIM 251260.

Allele frequency attached by ClinVar (database versions not stated): gnomAD exomes below 0.00001.
gnomAD v4.1: 1 of 1,583,560 alleles (0.000063%); highest among the groups gnomAD compares: Admixed American, 0.0017%; no homozygotes.

Submission:

Labcorp Genetics (formerly Invitae), Labcorp
Classification: Uncertain significance for Microcephaly, normal intelligence and immunodeficiency. Last evaluated: 2023-12-08. Review status: criteria provided, single submitter. Criteria: Invitae Variant Classification Sherloc (09022015). Collection method: clinical testing. Allele origin: germline.
Comment: This sequence change replaces aspartic acid, which is acidic and polar, with glutamic acid, which is acidic and polar, at codon 645 of the NBN protein (p.Asp645Glu). This variant is present in population databases (no rsID available, gnomAD 0.003%). This variant has not been reported in the literature in individuals affected with NBN-related conditions. ClinVar contains an entry for this variant (Variation ID: 659555). Algorithms developed to predict the effect of missense changes on protein structure and function output the following: SIFT: "Not Available"; PolyPhen-2: "Benign"; Align-GVGD: "Not Available". The glutamic acid amino acid residue is found in multiple mammalian species, which suggests that this missense change does not adversely affect protein function. In summary, the available evidence is currently insufficient to determine the role of this variant in disease. Therefore, it has been classified as a Variant of Uncertain Significance.

NM_002485.5(NBN):c.1935T>A (p.Asp645Glu)

Gene: NBN (nibrin; minus strand). Cytogenetic location: 8q21.3.
Variant type: single nucleotide variant.
Coding change: c.1935T>A on transcript NM_002485.5 (MANE Select); coding-DNA position 1935, T replaced by A.
Protein change: p.Asp645Glu; replaces aspartic acid 645 with glutamic acid.
Molecular consequence: missense variant.
Genome position (GRCh38, 1-based): chr8:89,946,275, A>T on the plus strand (T>A on the coding strand, the complement: NBN is on the minus strand). VCF-style: chr8-89946275-A-T. GRCh37 (hg19) VCF-style: chr8-90958503-A-T.
Other names: c.1689T>A, p.Asp563Glu (NM_001024688.3); short protein forms D645E, D563E.
Identifiers: ClinVar variation 659555 (VCV000659555.5), dbSNP rs1172294340, ClinGen allele CA371676761.